The following is an entry in ClinVar:

ClinVar aggregate classification (germline): Uncertain significance (1 of 4 stars; one submission).

Conditions:
Immunodeficiency 132A. Also called: Herpes simplex encephalitis, susceptibility to, 3. Identifiers: Orphanet 1930, MedGen C3553868, MONDO:0013920, OMIM 614849.

Allele frequency attached by ClinVar (database versions not stated): gnomAD exomes below 0.00001; gnomAD 0.00001.
gnomAD v4.1: 3 of 1,614,110 alleles (0.00019%); highest among the groups gnomAD compares: Non-Finnish European, 0.00025%; no homozygotes.

Submission:

Labcorp Genetics (formerly Invitae), Labcorp
Classification: Uncertain significance for Immunodeficiency 132A. Last evaluated: 2022-03-01. Review status: criteria provided, single submitter. Criteria: Invitae Variant Classification Sherloc (09022015). Collection method: clinical testing. Allele origin: germline.
Comment: In summary, the available evidence is currently insufficient to determine the role of this variant in disease. Therefore, it has been classified as a Variant of Uncertain Significance. Algorithms developed to predict the effect of missense changes on protein structure and function (SIFT, PolyPhen-2, Align-GVGD) all suggest that this variant is likely to be tolerated. This variant has not been reported in the literature in individuals affected with TRAF3-related conditions. This variant is not present in population databases (gnomAD no frequency). This sequence change replaces threonine, which is neutral and polar, with alanine, which is neutral and non-polar, at codon 231 of the TRAF3 protein (p.Thr231Ala).

NM_145725.3(TRAF3):c.691A>G (p.Thr231Ala)

Gene: TRAF3 (TNF receptor associated factor 3; plus strand). Cytogenetic location: 14q32.32.
Variant type: single nucleotide variant.
Coding change: c.691A>G on transcript NM_145725.3 (MANE Select); coding-DNA position 691, A replaced by G.
Protein change: p.Thr231Ala; replaces threonine 231 with alanine.
Molecular consequence: missense variant. On other transcripts: intron variant (2).
Genome position (GRCh38, 1-based): chr14:102,889,599, A>G. VCF-style: chr14-102889599-A-G. GRCh37 (hg19) VCF-style: chr14-103355936-A-G.
Other names: c.691A>G, p.Thr231Ala (NM_001385142.1, NM_003300.4); c.610A>G, p.Thr204Ala (NM_001385143.1); c.652-1726A>G (NM_145726.3); c.571-7662A>G (NM_001199427.2); short protein forms T204A, T231A.
Identifiers: ClinVar variation 2101084 (VCV002101084.4), dbSNP rs1889595610, ClinGen allele CA391072139.